The following is an entry in ClinVar:

ClinVar aggregate classification (germline): Likely benign (0 of 4 stars; one submission).

Conditions:
ADCY3-related disorder. Also called: ADCY3-related condition.

Submission:

PreventionGenetics, part of Exact Sciences
Classification: Likely benign for ADCY3-related condition. Last evaluated: 2024-05-27. Review status: no assertion criteria provided. Collection method: clinical testing. Allele origin: germline.
Comment: This variant is classified as likely benign based on ACMG/AMP sequence variant interpretation guidelines (Richards et al. 2015 PMID: 25741868, with internal and published modifications).

NM_004036.5(ADCY3):c.2578-6C>G

Gene: ADCY3 (adenylate cyclase 3; minus strand). Cytogenetic location: 2p23.3.
Variant type: single nucleotide variant.
Coding change: c.2578-6C>G on transcript NM_004036.5 (MANE Select); 6 bases into the intron before coding-DNA position 2578, C replaced by G.
Molecular consequence: intron variant.
Genome position (GRCh38, 1-based): chr2:24,824,542, G>C on the plus strand (C>G on the coding strand, the complement: ADCY3 is on the minus strand). VCF-style: chr2-24824542-G-C. GRCh37 (hg19) VCF-style: chr2-25047411-G-C.
Other names: c.2173-6C>G (NM_001377130.1); c.2440-6C>G (NM_001377129.1); c.2581-6C>G (NM_001320613.2); c.2644-6C>G (NM_001377128.1); c.2578-6C>G (NM_001377132.1); c.1855-6C>G (NM_001377131.1).
Identifiers: ClinVar variation 3352673 (VCV003352673.1).